The following is an entry in ClinVar:

NM_006922.4(SCN3A):c.4520_4521delinsAA (p.Pro1507Gln)

Gene: SCN3A (sodium voltage-gated channel alpha subunit 3; minus strand). Cytogenetic location: 2q24.3.
Variant type: Indel.
Coding change: c.4520_4521delinsAA on transcript NM_006922.4 (MANE Select); coding-DNA positions 4520 to 4521, CC replaced by AA.
Protein change: p.Pro1507Gln; replaces proline 1507 with glutamine.
Molecular consequence: missense variant.
Genome position (GRCh38, 1-based): chr2:165,094,389-165,094,390, GG replaced by TT on the plus strand (CC replaced by AA on the coding strand, the reverse complement: SCN3A is on the minus strand). VCF-style: chr2-165094389-GG-TT. GRCh37 (hg19) VCF-style: chr2-165950899-GG-TT.
Other names: c.4373_4374delinsAA, p.Pro1458Gln (NM_001081676.2, NM_001081677.2); short protein forms P1458Q, P1507Q.
Identifiers: ClinVar variation 4759454 (VCV004759454.1).

ClinVar aggregate classification (germline): Uncertain significance (1 of 4 stars; one submission).

Conditions:
Developmental and epileptic encephalopathy, 62. Also called: Early infantile epileptic encephalopathy 62. Identifiers: MedGen C4693699, MONDO:0033371, OMIM 617938.

Submission:

Illumina Laboratory Services, Illumina
Classification: Uncertain significance for Developmental and epileptic encephalopathy, 62. Last evaluated: 2023-09-25. Review status: criteria provided, single submitter. Criteria: ISL SNV Classification Criteria 03 February 2026. Collection method: clinical testing. Allele origin: unknown.
Comment: The SCN3A c.4520_4521delinsAA (p.Pro1507Gln) missense variant has not, to our knowledge, been reported in the peer-reviewed literature. This variant is not observed in version 2.1.1 or version 3.1.2 of the Genome Aggregation Database. Based on the available evidence, the c.4520_4521delinsAA (p.Pro1507Gln) variant is classified as a variant of uncertain significance for developmental and epileptic encephalopathy.